The following is an entry in ClinVar:

NM_000553.6(WRN):c.3244G>C (p.Val1082Leu)

Gene: WRN (WRN RecQ like helicase; plus strand). Cytogenetic location: 8p12.
Variant type: single nucleotide variant.
Coding change: c.3244G>C on transcript NM_000553.6 (MANE Select); coding-DNA position 3244, G replaced by C.
Protein change: p.Val1082Leu; replaces valine 1082 with leucine.
Molecular consequence: missense variant.
Genome position (GRCh38, 1-based): chr8:31,142,636, G>C. VCF-style: chr8-31142636-G-C. GRCh37 (hg19) VCF-style: chr8-31000152-G-C.
Other names: short protein forms V1082L.
Identifiers: ClinVar variation 3711306 (VCV003711306.2).

ClinVar aggregate classification (germline): Uncertain significance (1 of 4 stars; one submission).

Conditions:
Werner syndrome (WRN). Identifiers: Orphanet 902, MedGen C0043119, MONDO:0010196, OMIM 277700.

gnomAD v4.1: 2 of 1,598,480 alleles (0.00013%); highest among the groups gnomAD compares: East Asian, 0.0022%; no homozygotes.

Submission:

Labcorp Genetics (formerly Invitae), Labcorp
Classification: Uncertain significance for Werner syndrome. Last evaluated: 2024-05-20. Review status: criteria provided, single submitter. Criteria: Invitae Variant Classification Sherloc (09022015). Collection method: clinical testing. Allele origin: germline.
Comment: This sequence change replaces valine, which is neutral and non-polar, with leucine, which is neutral and non-polar, at codon 1082 of the WRN protein (p.Val1082Leu). This variant is present in population databases (rs778754032, gnomAD no frequency). This variant has not been reported in the literature in individuals affected with WRN-related conditions. An algorithm developed to predict the effect of missense changes on protein structure and function (PolyPhen-2) suggests that this variant is likely to be tolerated. In summary, the available evidence is currently insufficient to determine the role of this variant in disease. Therefore, it has been classified as a Variant of Uncertain Significance.